The following is an entry in ClinVar:

ClinVar aggregate classification (germline): Likely benign. Review status: criteria provided, multiple submitters, no conflicts (2 of 4 stars). 5 submissions from 5 submitters: Likely benign (5). Last evaluated 2026-08-01.

Conditions:
RYR1-related disorder. Also called: RYR1-related disorders; RYR1-related condition. Identifiers: MedGen CN239331.
Malignant hyperthermia, susceptibility to, 1 (MHS1). Also called: Malignant hyperthermia suceptibility 1; Anesthesia related hyperthermia; Malignant hyperpyrexia; Fulminating hyperpyrexia; Pharmacogenic myopathy; RYR1-Related Malignant Hyperthermia Susceptibility. Identifiers: Orphanet 423, MedGen C2930980, MONDO:0007783, OMIM 145600.

Allele frequency attached by ClinVar (database versions not stated): ExAC 0.00001; gnomAD 0.00001; gnomAD exomes 0.00001 and 0.00002; TOPMed 0.00002.
gnomAD v4.1: 25 of 1,613,788 alleles (0.0015%); highest among the groups gnomAD compares: East Asian, 0.045%; no homozygotes.

Submissions (5):

CeGaT Center for Human Genetics Tuebingen
Classification: Likely benign. Last evaluated: 2026-08-01. Review status: criteria provided, single submitter. Criteria: CeGaT Center For Human Genetics Tuebingen Variant Classification Criteria Version 2. Collection method: clinical testing. Allele origin: germline. Affected: yes. Observed: 1 variant allele.
Comment: RYR1: BP4, BP7

Blueprint Genetics
Classification: Likely benign. Last evaluated: 2024-07-05. Review status: criteria provided, single submitter. Criteria: ACMG Guidelines, 2015. Collection method: clinical testing. Allele origin: germline.

Labcorp Genetics (formerly Invitae), Labcorp
Classification: Likely benign for RYR1-related disorder. Last evaluated: 2024-01-27. Review status: criteria provided, single submitter. Criteria: Invitae Variant Classification Sherloc (09022015). Collection method: clinical testing. Allele origin: germline.

All of Us Research Program, National Institutes of Health
Classification: Likely benign for Malignant hyperthermia, susceptibility to, 1. Last evaluated: 2023-11-20. Review status: criteria provided, single submitter. Criteria: ACMG Guidelines, 2015. Collection method: clinical testing. Allele origin: germline. Inheritance: Autosomal dominant inheritance. Observed: 1 variant allele, 1 heterozygote.
Comment: This study involves interpretation of variants in research participants for the purpose of population health screening. Participant phenotype was not available at the time of variant classification. Additional details can be found in publication PMID: 35346344, PMCID: PMC8962531

Color Diagnostics, LLC DBA Color Health
Classification: Likely benign for Malignant hyperthermia, susceptibility to, 1. Last evaluated: 2022-11-06. Review status: criteria provided, single submitter. Criteria: ACMG Guidelines, 2015. Collection method: clinical testing. Allele origin: germline.

NM_000540.3(RYR1):c.2064C>T (p.Thr688=)

Gene: RYR1 (ryanodine receptor 1; plus strand). Cytogenetic location: 19q13.2.
Variant type: single nucleotide variant.
Coding change: c.2064C>T on transcript NM_000540.3 (MANE Select); coding-DNA position 2064, C replaced by T.
Protein change: p.Thr688=; no amino-acid change (threonine 688 retained).
Molecular consequence: synonymous variant.
Genome position (GRCh38, 1-based): chr19:38,458,189, C>T. VCF-style: chr19-38458189-C-T. GRCh37 (hg19) VCF-style: chr19-38948829-C-T.
Other names: c.2064C>T, p.Thr688= (NM_001042723.2).
Identifiers: ClinVar variation 1639226 (VCV001639226.12), dbSNP rs764993324, ClinGen allele CA062780.